The following is an entry in ClinVar:

NM_000297.4(PKD2):c.278G>T (p.Gly93Val)

Genes: PKD2 (polycystin 2, transient receptor potential cation channel; plus strand), LOC129992813 (ATAC-STARR-seq lymphoblastoid silent region 15559; plus strand). Cytogenetic location: 4q22.1.
Variant type: single nucleotide variant.
Coding change: c.278G>T on transcript NM_000297.4 (MANE Select); coding-DNA position 278, G replaced by T.
Protein change: p.Gly93Val; replaces glycine 93 with valine.
Molecular consequence: missense variant. On other transcripts: non-coding transcript variant (1).
Genome position (GRCh38, 1-based): chr4:88,008,011, G>T. VCF-style: chr4-88008011-G-T. GRCh37 (hg19) VCF-style: chr4-88929163-G-T.
Other names: short protein forms G93V.
Identifiers: ClinVar variation 3665932 (VCV003665932.2).
Genomic context (GRCh38, chr4:88,008,011, plus strand): 5'-CCTCCCCTTCTCCTCCGCTCTCGTCGTGCTCCCGGCAGGCGTGGAGCCGCGATAACCCCG[G>T]CTTCGAGGCCGAGGAGGAGGAGGAGGAGGTGGAAGGGGAAGAAGGCGGAATGGTGGTGGA-3'
Protein context (NP_000288.1, residues 83-103): SRQAWSRDNP[Gly93Val]FEAEEEEEEV

ClinVar aggregate classification (germline): Uncertain significance (1 of 4 stars; one submission).

Conditions:
Autosomal dominant polycystic kidney disease. Identifiers: Orphanet 730, MedGen C0085413, MONDO:0004691.

Submission:

Labcorp Genetics (formerly Invitae), Labcorp
Classification: Uncertain significance for Autosomal dominant polycystic kidney disease. Last evaluated: 2024-05-02. Review status: criteria provided, single submitter. Criteria: Invitae Variant Classification Sherloc (09022015). Collection method: clinical testing. Allele origin: germline.
Comment: This sequence change replaces glycine, which is neutral and non-polar, with valine, which is neutral and non-polar, at codon 93 of the PKD2 protein (p.Gly93Val). This variant is not present in population databases (gnomAD no frequency). This variant has not been reported in the literature in individuals affected with PKD2-related conditions. An algorithm developed to predict the effect of missense changes on protein structure and function (PolyPhen-2) suggests that this variant is likely to be disruptive. In summary, the available evidence is currently insufficient to determine the role of this variant in disease. Therefore, it has been classified as a Variant of Uncertain Significance.